The following is an entry in ClinVar:

ClinVar aggregate classification (germline): Benign (1 of 4 stars; one submission).

Conditions:
Colorectal cancer, susceptibility to, 1. Also called: COLORECTAL ADENOMA AND CANCER, SUSCEPTIBILITY TO; COLORECTAL CANCER, SUSCEPTIBILITY TO, ON CHROMOSOME 9. Identifiers: MedGen C1837315, MONDO:0012132, OMIM 608812.

Submission:

Myriad Genetics, Inc.
Classification: Benign for Colorectal cancer, susceptibility to, 1. Last evaluated: 2026-04-27. Review status: criteria provided, single submitter. Criteria: Myriad Autosomal Dominant, Autosomal Recessive and X-Linked Classification Criteria (2023). Collection method: clinical testing. Allele origin: unknown.
Comment: This variant is considered benign. This variant is a silent/synonymous amino acid change and it is not expected to impact splicing.

NM_024642.5(GALNT12):c.1449C>T (p.Gly483=)

Gene: GALNT12 (polypeptide N-acetylgalactosaminyltransferase 12; plus strand). Cytogenetic location: 9q22.33.
Variant type: single nucleotide variant.
Coding change: c.1449C>T on transcript NM_024642.5 (MANE Select); coding-DNA position 1449, C replaced by T.
Protein change: p.Gly483=; no amino-acid change (glycine 483 retained).
Molecular consequence: synonymous variant.
Genome position (GRCh38, 1-based): chr9:98,844,200, C>T. VCF-style: chr9-98844200-C-T. GRCh37 (hg19) VCF-style: chr9-101606482-C-T.
Identifiers: ClinVar variation 4875726 (VCV004875726.1).